The following is an entry in ClinVar:

NM_025137.4(SPG11):c.819T>G (p.Ile273Met)

Gene: SPG11 (SPG11 vesicle trafficking associated, spatacsin; minus strand). Cytogenetic location: 15q21.1.
Variant type: single nucleotide variant.
Coding change: c.819T>G on transcript NM_025137.4 (MANE Select); coding-DNA position 819, T replaced by G.
Protein change: p.Ile273Met; replaces isoleucine 273 with methionine.
Molecular consequence: missense variant.
Genome position (GRCh38, 1-based): chr15:44,657,145, A>C on the plus strand (T>G on the coding strand, the complement: SPG11 is on the minus strand). VCF-style: chr15-44657145-A-C. GRCh37 (hg19) VCF-style: chr15-44949343-A-C.
Other names: c.819T>G, p.Ile273Met (NM_001160227.2); c.819T>G (NM_025137.3); short protein forms I273M.
Identifiers: ClinVar variation 1384905 (VCV001384905.4), dbSNP rs1232225260, ClinGen allele CA392237221.
Genomic context (GRCh38, chr15:44,657,145, plus strand): 5'-ATCTACATACCTGAAATACAAATTTAAGTTAAGAGCAACTGCGGAGTTGGAGGAGCTGAC[A>C]ATCACTGCAACATCGAGGTCTTGAGAAACTTTCAGTGAAGTAAATGAAGAAATCTTGGCT-3'
Protein context (NP_079413.3, residues 263-283): KVSQDLDVAV[Ile273Met]VSSSNSAVAL

ClinVar aggregate classification (germline): Uncertain significance. Review status: criteria provided, multiple submitters, no conflicts (2 of 4 stars). 2 submissions from 2 submitters: Uncertain significance (2). Last evaluated 2025-08-21.

Conditions:
Inborn genetic diseases. Identifiers: MedGen C0950123, MeSH D030342.
Hereditary spastic paraplegia 11. Also called: Spastic paraplegia, mental retardation and thin corpus callosum; SPASTIC PARAPLEGIA, AUTOSOMAL RECESSIVE, COMPLICATED, WITH THIN CORPUS CALLOSUM; SPASTIC PARAPLEGIA, AUTOSOMAL RECESSIVE, WITH MENTAL IMPAIRMENT AND THIN CORPUS CALLOSUM; Nakamura Osame syndrome; Autosomal recessive hereditary spastic paraplegia, mental impairment, and thin corpus callosum; Spastic Paraplegia 11. Identifiers: Orphanet 2822, MedGen C1858479, MONDO:0011445, OMIM 604360.

Allele frequency attached by ClinVar (database versions not stated): gnomAD exomes below 0.00001.
gnomAD v4.1: 2 of 1,614,232 alleles (0.00012%); highest among the groups gnomAD compares: Admixed American, 0.0033%; no homozygotes.

Submissions (2):

Ambry Genetics
Classification: Uncertain significance for Inborn genetic diseases. Last evaluated: 2025-08-21. Review status: criteria provided, single submitter. Criteria: Ambry Variant Classification Scheme 2023. Collection method: clinical testing. Allele origin: germline.

Labcorp Genetics (formerly Invitae), Labcorp
Classification: Uncertain significance for Hereditary spastic paraplegia 11. Last evaluated: 2022-07-19. Review status: criteria provided, single submitter. Criteria: Invitae Variant Classification Sherloc (09022015). Collection method: clinical testing. Allele origin: germline.
Comment: This sequence change replaces isoleucine, which is neutral and non-polar, with methionine, which is neutral and non-polar, at codon 273 of the SPG11 protein (p.Ile273Met). This variant is present in population databases (no rsID available, gnomAD 0.003%). This variant has not been reported in the literature in individuals affected with SPG11-related conditions. ClinVar contains an entry for this variant (Variation ID: 1384905). Algorithms developed to predict the effect of missense changes on protein structure and function are either unavailable or do not agree on the potential impact of this missense change (SIFT: "Deleterious"; PolyPhen-2: "Benign"; Align-GVGD: "Class C0"). In summary, the available evidence is currently insufficient to determine the role of this variant in disease. Therefore, it has been classified as a Variant of Uncertain Significance.